The following is an entry in ClinVar:

ClinVar aggregate classification (germline): Uncertain significance (1 of 4 stars; one submission).

Conditions:
Charcot-Marie-Tooth disease axonal type 2P. Also called: CHARCOT-MARIE-TOOTH DISEASE, AXONAL, TYPE 2G; CMT 2G; Charcot-Marie-Tooth Neuropathy Type 2G; CHARCOT-MARIE-TOOTH NEUROPATHY, TYPE 2P. Identifiers: Orphanet 300319, Orphanet 99941, MedGen C3280797, MONDO:0013753, OMIM 614436.

Allele frequency attached by ClinVar (database versions not stated): gnomAD exomes below 0.00001.
gnomAD v4.1: 2 of 1,614,014 alleles (0.00012%); highest among the groups gnomAD compares: South Asian, 0.0022%; no homozygotes.

Submission:

Labcorp Genetics (formerly Invitae), Labcorp
Classification: Uncertain significance for Charcot-Marie-Tooth disease axonal type 2P. Last evaluated: 2022-08-19. Review status: criteria provided, single submitter. Criteria: Invitae Variant Classification Sherloc (09022015). Collection method: clinical testing. Allele origin: germline.
Comment: In summary, the available evidence is currently insufficient to determine the role of this variant in disease. Therefore, it has been classified as a Variant of Uncertain Significance. Algorithms developed to predict the effect of missense changes on protein structure and function are either unavailable or do not agree on the potential impact of this missense change (SIFT: "Deleterious"; PolyPhen-2: "Probably Damaging"; Align-GVGD: "Class C0"). This variant has not been reported in the literature in individuals affected with LRSAM1-related conditions. This variant is present in population databases (no rsID available, gnomAD 0.003%). This sequence change replaces leucine, which is neutral and non-polar, with methionine, which is neutral and non-polar, at codon 556 of the LRSAM1 protein (p.Leu556Met).

NM_001005373.4(LRSAM1):c.1666T>A (p.Leu556Met)

Gene: LRSAM1 (leucine rich repeat and sterile alpha motif containing 1; plus strand). Cytogenetic location: 9q33.3.
Variant type: single nucleotide variant.
Coding change: c.1666T>A on transcript NM_001005373.4 (MANE Select); coding-DNA position 1666, T replaced by A.
Protein change: p.Leu556Met; replaces leucine 556 with methionine.
Molecular consequence: missense variant. On other transcripts: non-coding transcript variant (2), intron variant (1).
Genome position (GRCh38, 1-based): chr9:127,495,386, T>A. VCF-style: chr9-127495386-T-A. GRCh37 (hg19) VCF-style: chr9-130257665-T-A.
Other names: c.1666T>A, p.Leu556Met (NM_001005374.4, NM_001384142.1, NM_138361.5); c.1585T>A, p.Leu529Met (NM_001190723.3); c.877T>A, p.Leu293Met (NM_001384144.1); c.1600-578T>A (NM_001384143.1); short protein forms L293M, L529M, L556M.
Identifiers: ClinVar variation 1716754 (VCV001716754.5), dbSNP rs1481668823, ClinGen allele CA374935335.
Genomic context (GRCh38, chr9:127,495,386, plus strand): 5'-TTAGAAGCCAAAAGTGAAACCAGGCAGGAAAATTACTGGCTGATTCAGTATCAACGGCTT[T>A]TGAACCAGAAGCCCTTGTCCTTGAAGCTGCAAGTAAGGACTGCTGGTGCCTGTCCCGGCC-3'
Protein context (NP_001005373.1, residues 546-566): NYWLIQYQRL[Leu556Met]NQKPLSLKLQ